The following is an entry in ClinVar:

NM_007347.5(AP4E1):c.852A>G (p.Leu284=)

Gene: AP4E1 (adaptor related protein complex 4 subunit epsilon 1; plus strand). Cytogenetic location: 15q21.2.
Variant type: single nucleotide variant.
Coding change: c.852A>G on transcript NM_007347.5 (MANE Select); coding-DNA position 852, A replaced by G.
Protein change: p.Leu284=; no amino-acid change (leucine 284 retained).
Molecular consequence: synonymous variant.
Genome position (GRCh38, 1-based): chr15:50,930,954, A>G. VCF-style: chr15-50930954-A-G. GRCh37 (hg19) VCF-style: chr15-51223151-A-G.
Other names: c.627A>G, p.Leu209= (NM_001252127.2).
Identifiers: ClinVar variation 695485 (VCV000695485.46), dbSNP rs114575519, ClinGen allele CA7558884.

ClinVar aggregate classification (germline): Conflicting classifications of pathogenicity. Review status: criteria provided, conflicting classifications (1 of 4 stars). 4 submissions from 4 submitters: Uncertain significance (1); Benign (1); Likely benign (2). Last evaluated 2025-12-21.

Conditions:
Hereditary spastic paraplegia. Also called: Familial spastic paraparesis. Identifiers: Orphanet 685, MedGen C0037773, MONDO:0019064. Disease mechanism: loss of function.
Spastic paraplegia. Identifiers: MedGen C0037772, HP:0001258.

Allele frequency attached by ClinVar (database versions not stated): 1000 Genomes Project 30x 0.00484; 1000 Genomes Project 0.00559; gnomAD exomes 0.00030 and 0.00078; ExAC 0.00105; ESP Exome Variant Server 0.00247; TOPMed 0.00274; gnomAD 0.00280 and 0.00287.
gnomAD v4.1: 893 of 1,614,128 alleles (0.055%); highest among the groups gnomAD compares: African/African-American, 0.91%; 4 homozygotes.

Submissions (4):

Labcorp Genetics (formerly Invitae), Labcorp
Classification: Benign for Spastic paraplegia. Last evaluated: 2025-12-21. Review status: criteria provided, single submitter. Criteria: Invitae Variant Classification Sherloc (09022015). Collection method: clinical testing. Allele origin: germline.

Blueprint Genetics
Classification: Likely benign. Last evaluated: 2024-07-22. Review status: criteria provided, single submitter. Criteria: ACMG Guidelines, 2015. Collection method: clinical testing. Allele origin: germline.

CeGaT Center for Human Genetics Tuebingen
Classification: Likely benign. Last evaluated: 2022-03-01. Review status: criteria provided, single submitter. Criteria: CeGaT Center For Human Genetics Tuebingen Variant Classification Criteria Version 2. Collection method: clinical testing. Allele origin: germline. Affected: yes. Observed: 1 variant allele.
Comment: AP4E1: BP4, BP7

Genome Diagnostics Laboratory, The Hospital for Sick Children
Classification: Uncertain significance for Hereditary spastic paraplegia. Last evaluated: 2018-11-01. Review status: criteria provided, single submitter. Criteria: ACMG Guidelines, 2015. Collection method: clinical testing. Allele origin: germline. Affected: yes.